The following is an entry in ClinVar:

ClinVar aggregate classification (germline): Uncertain significance (1 of 4 stars; one submission).

Conditions:
REST-related disorder. Also called: REST-related condition.

Submission:

PreventionGenetics, part of Exact Sciences
Classification: Uncertain significance for REST-related condition. Last evaluated: 2023-07-11. Review status: criteria provided, single submitter. Criteria: ACMG Guidelines, 2015. Collection method: clinical testing. Allele origin: germline.
Comment: The REST c.2374C>T variant is predicted to result in the amino acid substitution p.Pro792Ser. To our knowledge, this variant has not been reported in the literature or in a large population database, indicating this variant is rare. At this time, the clinical significance of this variant is uncertain due to the absence of conclusive functional and genetic evidence.

NM_005612.5(REST):c.2374C>T (p.Pro792Ser)

Gene: REST (RE1 silencing transcription factor; plus strand). Cytogenetic location: 4q12.
Variant type: single nucleotide variant.
Coding change: c.2374C>T on transcript NM_005612.5 (MANE Select); coding-DNA position 2374, C replaced by T.
Protein change: p.Pro792Ser; replaces proline 792 with serine.
Molecular consequence: missense variant.
Genome position (GRCh38, 1-based): chr4:56,931,232, C>T. VCF-style: chr4-56931232-C-T. GRCh37 (hg19) VCF-style: chr4-57797398-C-T.
Other names: c.2374C>T, p.Pro792Ser (NM_001193508.2, NM_001363453.3); short protein forms P792S.
Identifiers: ClinVar variation 2631457 (VCV002631457.1), dbSNP rs2475852809, ClinGen allele CA357008648.
Genomic context (GRCh38, chr4:56,931,232, plus strand): 5'-GTCCAGAAGGAGCCTGTTCAGATGGAGTTGTCTCCTCCCATGGGGGTGGTTCAGAAGGAG[C>T]CTGCTCAGAGGGAGCCACCTCCTCCCAGAGAGCCTCCCCTTCACATGGAGCCAATTTCCA-3'
Protein context (NP_005603.3, residues 782-802): SPPMGVVQKE[Pro792Ser]AQREPPPPRE